The following is an entry in ClinVar:

NM_001377.3(DYNC2H1):c.10184C>G (p.Thr3395Arg)

Gene: DYNC2H1 (dynein cytoplasmic 2 heavy chain 1; plus strand). Cytogenetic location: 11q22.3.
Variant type: single nucleotide variant.
Coding change: c.10184C>G on transcript NM_001377.3 (MANE Select); coding-DNA position 10184, C replaced by G.
Protein change: p.Thr3395Arg; replaces threonine 3395 with arginine.
Molecular consequence: missense variant.
Genome position (GRCh38, 1-based): chr11:103,253,426, C>G. VCF-style: chr11-103253426-C-G. GRCh37 (hg19) VCF-style: chr11-103124155-C-G.
Other names: c.10205C>G, p.Thr3402Arg (NM_001080463.2); short protein forms T3402R, T3395R.
Identifiers: ClinVar variation 1515740 (VCV001515740.6), dbSNP rs778720641, ClinGen allele CA6254907.

ClinVar aggregate classification (germline): Uncertain significance (1 of 4 stars; one submission).

Conditions:
Jeune thoracic dystrophy. Also called: Jeune syndrome; Infantile thoracic dystrophy; Thoracic pelvic phalangeal dystrophy; Jeune's syndrome; Chondroectodermal dysplasia-like syndrome; Short-rib thoracic dysplasia. Identifiers: Orphanet 474, MedGen C0265275, MONDO:0018770.

Allele frequency attached by ClinVar (database versions not stated): ExAC 0.00002.
gnomAD v4.1: 7 of 1,612,702 alleles (0.00043%); highest among the groups gnomAD compares: Admixed American, 0.01%; no homozygotes.

Submission:

Labcorp Genetics (formerly Invitae), Labcorp
Classification: Uncertain significance for Jeune thoracic dystrophy. Last evaluated: 2025-09-23. Review status: criteria provided, single submitter. Criteria: Invitae Variant Classification Sherloc (09022015). Collection method: clinical testing. Allele origin: germline.
Comment: This sequence change replaces threonine, which is neutral and polar, with arginine, which is basic and polar, at codon 3402 of the DYNC2H1 protein (p.Thr3402Arg). This variant is present in population databases (rs778720641, gnomAD 0.02%). This variant has not been reported in the literature in individuals affected with DYNC2H1-related conditions. ClinVar contains an entry for this variant (Variation ID: 1515740). Invitae Evidence Modeling of protein sequence and biophysical properties (such as structural, functional, and spatial information, amino acid conservation, physicochemical variation, residue mobility, and thermodynamic stability) indicates that this missense variant is expected to disrupt DYNC2H1 protein function with a positive predictive value of 95%. In summary, the available evidence is currently insufficient to determine the role of this variant in disease. Therefore, it has been classified as a Variant of Uncertain Significance.